The following is an entry in ClinVar:

NM_152513.4(MEI1):c.1446+53A>G

Gene: MEI1 (meiotic double-stranded break formation protein 1; plus strand). Cytogenetic location: 22q13.2.
Variant type: single nucleotide variant.
Coding change: c.1446+53A>G on transcript NM_152513.4 (MANE Select); 53 bases into the intron after coding-DNA position 1446, A replaced by G.
Molecular consequence: intron variant.
Genome position (GRCh38, 1-based): chr22:41,743,247, A>G. VCF-style: chr22-41743247-A-G. GRCh37 (hg19) VCF-style: chr22-42139251-A-G.
Identifiers: ClinVar variation 4851829 (VCV004851829.1).

ClinVar aggregate classification (germline): Uncertain significance (1 of 4 stars; one submission).

gnomAD v4.1: 1 of 1,325,836 alleles (0.000075%); highest among the groups gnomAD compares: Non-Finnish European, 0.00011%; no homozygotes.

Submission:

Dasa
Classification: Uncertain significance. Last evaluated: 2026-02-02. Review status: criteria provided, single submitter. Criteria: DASA Assertion Criteria. Collection method: clinical testing. Allele origin: germline.
Comment: NM_152513.4(MEI1):c.1446+53A>G is a splice-region variant predicted to affect normal RNA splicing. The variant is present at low frequency in population datasets. Based on the available data, this variant is classified as variant of uncertain significance.